The following is an entry in ClinVar:

NM_178229.5(IQGAP3):c.1889G>C (p.Arg630Pro)

Gene: IQGAP3 (IQ motif containing GTPase activating protein 3; minus strand). Cytogenetic location: 1q22.
Variant type: single nucleotide variant.
Coding change: c.1889G>C on transcript NM_178229.5 (MANE Select); coding-DNA position 1889, G replaced by C.
Protein change: p.Arg630Pro; replaces arginine 630 with proline.
Molecular consequence: missense variant.
Genome position (GRCh38, 1-based): chr1:156,548,685, C>G on the plus strand (G>C on the coding strand, the complement: IQGAP3 is on the minus strand). VCF-style: chr1-156548685-C-G. GRCh37 (hg19) VCF-style: chr1-156518477-C-G.
Other names: short protein forms R630P.
Identifiers: ClinVar variation 4996500 (VCV004996500.1).

ClinVar aggregate classification (germline): Uncertain significance (1 of 4 stars; one submission).

Conditions:
IQGAP3-related disorder. Also called: IQGAP3-related condition.

Submission:

PreventionGenetics, part of Exact Sciences
Classification: Uncertain significance for IQGAP3-related condition. Last evaluated: 2025-09-16. Review status: criteria provided, single submitter. Criteria: ACMG Guidelines, 2015. Collection method: clinical testing. Allele origin: germline.
Comment: The IQGAP3 c.1889G>C variant is predicted to result in the amino acid substitution p.Arg630Pro. To our knowledge, this variant has not been reported in the literature or in a large population database (gnomAD), indicating this variant is rare. At this time, the clinical significance of this variant is uncertain due to the absence of conclusive functional and genetic evidence.